The following is an entry in ClinVar:

ClinVar aggregate classification (germline): Uncertain significance (1 of 4 stars; one submission).

Conditions:
3-methylglutaconic aciduria, type VIIB (MGCA7B). Also called: 3-methylglutaconic aciduria, type VII, with cataracts, neurologic involvement and neutropenia; CLPB Deficiency; 3-methylglutaconic aciduria with cataracts, neurologic involvement and neutropenia. Identifiers: Orphanet 445038, MedGen C5676893, MONDO:0014561, OMIM 616271.

gnomAD v4.1: 11 of 1,613,946 alleles (0.00068%); highest among the groups gnomAD compares: Admixed American, 0.0017%; no homozygotes.

Submission:

Labcorp Genetics (formerly Invitae), Labcorp
Classification: Uncertain significance for 3-methylglutaconic aciduria, type VIIB. Last evaluated: 2025-05-21. Review status: criteria provided, single submitter. Criteria: Invitae Variant Classification Sherloc (09022015). Collection method: clinical testing. Allele origin: germline.
Comment: This sequence change replaces arginine, which is basic and polar, with glutamine, which is neutral and polar, at codon 417 of the CLPB protein (p.Arg417Gln). This variant is present in population databases (no rsID available, gnomAD 0.01%). This variant has not been reported in the literature in individuals affected with CLPB-related conditions. ClinVar contains an entry for this variant (Variation ID: 3629444). An algorithm developed to predict the effect of missense changes on protein structure and function (PolyPhen-2) suggests that this variant is likely to be tolerated. In summary, the available evidence is currently insufficient to determine the role of this variant in disease. Therefore, it has been classified as a Variant of Uncertain Significance.

NM_001258392.3(CLPB):c.1160G>A (p.Arg387Gln)

Genes: CLPB (ClpB family mitochondrial disaggregase; minus strand), LOC126861258 (MED14-independent group 3 enhancer GRCh37_chr11:72012242-72013441; plus strand). Cytogenetic location: 11q13.4.
Variant type: single nucleotide variant.
Coding change: c.1160G>A on transcript NM_001258392.3 (MANE Select); coding-DNA position 1160, G replaced by A.
Protein change: p.Arg387Gln; replaces arginine 387 with glutamine.
Molecular consequence: missense variant.
Genome position (GRCh38, 1-based): chr11:72,302,311, C>T on the plus strand (G>A on the coding strand, the complement: CLPB is on the minus strand). VCF-style: chr11-72302311-C-T. GRCh37 (hg19) VCF-style: chr11-72013355-C-T.
Other names: c.1073G>A, p.Arg358Gln (NM_001258393.3); c.1115G>A, p.Arg372Gln (NM_001258394.3); c.1250G>A, p.Arg417Gln (NM_030813.6); short protein forms R358Q, R372Q, R387Q, R417Q.
Identifiers: ClinVar variation 3629444 (VCV003629444.2).
Genomic context (GRCh38, chr11:72,302,311, plus strand): 5'-CATGCTGACAAGCCCTCCAAACCATGCTTCAATCAAGGACTGTCATCACTCACCTCGTGT[C>T]GCTCCTGGAACTCGGACATGTCCAGCCTGATGAAGCCCTGTGTGGAAACAAGCAAGTACC-3'
Protein context (NP_001245321.1, residues 377-397): IRLDMSEFQE[Arg387Gln]HEVAKFIGSP